The following is an entry in ClinVar:

ClinVar aggregate classification (germline): Uncertain significance (1 of 4 stars; one submission).

Submission:

Women's Health and Genetics/Laboratory Corporation of America, LabCorp
Classification: Uncertain significance. Last evaluated: 2024-10-08. Review status: criteria provided, single submitter. Criteria: LabCorp Variant Classification Summary - May 2015. Collection method: clinical testing. Allele origin: germline.
Comment: Variant summary: ATP6AP2 c.554C>G (p.Ser185Cys) results in a non-conservative amino acid change in the encoded protein sequence. Four of four in-silico tools predict a damaging effect of the variant on protein function. The variant was absent in 183350 control chromosomes. The available data on variant occurrences in the general population are insufficient to allow any conclusion about variant significance. To our knowledge, no occurrence of c.554C>G in individuals affected with Syndromic X-Linked Intellectual Disability Hedera Type and no experimental evidence demonstrating its impact on protein function have been reported. No submitters have cited clinical-significance assessments for this variant to ClinVar. Based on the evidence outlined above, the variant was classified as uncertain significance.

NM_005765.3(ATP6AP2):c.554C>G (p.Ser185Cys)

Gene: ATP6AP2 (ATPase H+ transporting accessory protein 2; plus strand). Cytogenetic location: Xp11.4.
Variant type: single nucleotide variant.
Coding change: c.554C>G on transcript NM_005765.3 (MANE Select); coding-DNA position 554, C replaced by G.
Protein change: p.Ser185Cys; replaces serine 185 with cysteine.
Molecular consequence: missense variant.
Genome position (GRCh38, 1-based): chrX:40,598,700, C>G. VCF-style: chrX-40598700-C-G. GRCh37 (hg19) VCF-style: chrX-40457952-C-G.
Other names: short protein forms S185C.
Identifiers: ClinVar variation 3384829 (VCV003384829.1).